The following is an entry in ClinVar:

ClinVar aggregate classification (germline): Uncertain significance (1 of 4 stars; one submission).

Conditions:
Catecholaminergic polymorphic ventricular tachycardia 1. Also called: VENTRICULAR TACHYCARDIA, CATECHOLAMINERGIC POLYMORPHIC, 1, WITH OR WITHOUT ATRIAL DYSFUNCTION AND/OR DILATED CARDIOMYOPATHY; RYR2-Related Catecholaminergic Polymorphic Ventricular Tachycardia; VENTRICULAR TACHYCARDIA, STRESS-INDUCED POLYMORPHIC 1. Identifiers: Orphanet 3286, MedGen C1631597, MONDO:0011484, OMIM 604772.

Submission:

Labcorp Genetics (formerly Invitae), Labcorp
Classification: Uncertain significance for Catecholaminergic polymorphic ventricular tachycardia 1. Last evaluated: 2024-02-21. Review status: criteria provided, single submitter. Criteria: Invitae Variant Classification Sherloc (09022015). Collection method: clinical testing. Allele origin: germline.
Comment: This sequence change creates a premature translational stop signal (p.Glu3970*) in the RYR2 gene. It is expected to result in an absent or disrupted protein product. However, the current clinical and genetic evidence is not sufficient to establish whether loss-of-function variants in RYR2 cause disease. This variant is not present in population databases (gnomAD no frequency). This variant has not been reported in the literature in individuals affected with RYR2-related conditions. ClinVar contains an entry for this variant (Variation ID: 1495842). Algorithms developed to predict the effect of sequence changes on RNA splicing suggest that this variant may disrupt the consensus splice site. In summary, the available evidence is currently insufficient to determine the role of this variant in disease. Therefore, it has been classified as a Variant of Uncertain Significance.

NM_001035.3(RYR2):c.11908G>T (p.Glu3970Ter)

Gene: RYR2 (ryanodine receptor 2; plus strand). Cytogenetic location: 1q43.
Variant type: single nucleotide variant.
Coding change: c.11908G>T on transcript NM_001035.3 (MANE Select); coding-DNA position 11908, G replaced by T.
Protein change: p.Glu3970Ter; replaces glutamic acid 3970 with a stop codon.
Molecular consequence: nonsense.
Genome position (GRCh38, 1-based): chr1:237,781,592, G>T. VCF-style: chr1-237781592-G-T. GRCh37 (hg19) VCF-style: chr1-237944892-G-T.
Other names: short protein forms E3970*.
Identifiers: ClinVar variation 1495842 (VCV001495842.7), dbSNP rs2149344856, ClinGen allele CA345410086.